The following is an entry in ClinVar:

NM_032193.4(RNASEH2C):c.425C>G (p.Ala142Gly)

Gene: RNASEH2C (ribonuclease H2 subunit C; minus strand). Cytogenetic location: 11q13.1.
Variant type: single nucleotide variant.
Coding change: c.425C>G on transcript NM_032193.4 (MANE Select); coding-DNA position 425, C replaced by G.
Protein change: p.Ala142Gly; replaces alanine 142 with glycine.
Molecular consequence: missense variant.
Genome position (GRCh38, 1-based): chr11:65,720,088, G>C on the plus strand (C>G on the coding strand, the complement: RNASEH2C is on the minus strand). VCF-style: chr11-65720088-G-C. GRCh37 (hg19) VCF-style: chr11-65487559-G-C.
Other names: short protein forms A142G.
Identifiers: ClinVar variation 1478312 (VCV001478312.8), dbSNP rs1857345402, ClinGen allele CA381297585.
Genomic context (GRCh38, chr11:65,720,088, plus strand): 5'-ACTCCTCGTCTACTCACCGCTGCCGCAAGGCTGGGCCAAGTTAAGGCCCCACGCACTTTG[G>C]CATCCGGGCCAGGGATGGTCTCCAGACCCCACAGGGTGAAGCGGCTGAAGTTGGCAGTGG-3'
Protein context (NP_115569.2, residues 132-152): WGLETIPGPD[Ala142Gly]KVRGALTWPS

ClinVar aggregate classification (germline): Uncertain significance (1 of 4 stars; one submission).

Conditions:
Aicardi-Goutieres syndrome 3. Identifiers: Orphanet 51, MedGen C1835916, MONDO:0012471, OMIM 610329.

Submission:

Labcorp Genetics (formerly Invitae), Labcorp
Classification: Uncertain significance for Aicardi-Goutieres syndrome 3. Last evaluated: 2021-07-27. Review status: criteria provided, single submitter. Criteria: Invitae Variant Classification Sherloc (09022015). Collection method: clinical testing. Allele origin: germline.
Comment: In summary, the available evidence is currently insufficient to determine the role of this variant in disease. Therefore, it has been classified as a Variant of Uncertain Significance. Algorithms developed to predict the effect of missense changes on protein structure and function are either unavailable or do not agree on the potential impact of this missense change (SIFT: "Tolerated"; PolyPhen-2: "Possibly Damaging"; Align-GVGD: "Class C0"). This variant has not been reported in the literature in individuals affected with RNASEH2C-related conditions. This variant is not present in population databases (ExAC no frequency). This sequence change replaces alanine with glycine at codon 142 of the RNASEH2C protein (p.Ala142Gly). The alanine residue is moderately conserved and there is a small physicochemical difference between alanine and glycine.